The following is an entry in ClinVar:

NM_001035.3(RYR2):c.5239G>A (p.Gly1747Ser)

Gene: RYR2 (ryanodine receptor 2; plus strand). Cytogenetic location: 1q43.
Variant type: single nucleotide variant.
Coding change: c.5239G>A on transcript NM_001035.3 (MANE Select); coding-DNA position 5239, G replaced by A.
Protein change: p.Gly1747Ser; replaces glycine 1747 with serine.
Molecular consequence: missense variant.
Genome position (GRCh38, 1-based): chr1:237,614,367, G>A. VCF-style: chr1-237614367-G-A. GRCh37 (hg19) VCF-style: chr1-237777667-G-A.
Other names: c.5239G>A, p.Gly1747Ser (LRG_402t1); short protein forms G1747S.
Identifiers: ClinVar variation 532335 (VCV000532335.11), dbSNP rs1553522190, ClinGen allele CA345404486.

ClinVar aggregate classification (germline): Uncertain significance. Review status: criteria provided, multiple submitters, no conflicts (2 of 4 stars). 2 submissions from 2 submitters: Uncertain significance (2). Last evaluated 2025-04-18.

Conditions:
Catecholaminergic polymorphic ventricular tachycardia 1. Also called: VENTRICULAR TACHYCARDIA, CATECHOLAMINERGIC POLYMORPHIC, 1, WITH OR WITHOUT ATRIAL DYSFUNCTION AND/OR DILATED CARDIOMYOPATHY; RYR2-Related Catecholaminergic Polymorphic Ventricular Tachycardia; VENTRICULAR TACHYCARDIA, STRESS-INDUCED POLYMORPHIC 1. Identifiers: Orphanet 3286, MedGen C1631597, MONDO:0011484, OMIM 604772.
Cardiovascular phenotype. Identifiers: MedGen CN230736.

Allele frequency attached by ClinVar (database versions not stated): gnomAD exomes below 0.00001.
gnomAD v4.1: 6 of 1,613,948 alleles (0.00037%); highest among the groups gnomAD compares: Non-Finnish European, 0.00051%; no homozygotes.

Submissions (2):

Ambry Genetics
Classification: Uncertain significance for Cardiovascular phenotype. Last evaluated: 2025-04-18. Review status: criteria provided, single submitter. Criteria: Ambry Variant Classification Scheme 2023. Collection method: clinical testing. Allele origin: germline.
Comment: The p.G1747S variant (also known as c.5239G>A), located in coding exon 37 of the RYR2 gene, results from a G to A substitution at nucleotide position 5239. The glycine at codon 1747 is replaced by serine, an amino acid with similar properties. This variant was reported in an individual in a sudden infant death syndrome cohort (Martinez-Barrios E et al. Int J Legal Med, 2023 Mar;137:345-351). This amino acid position is well conserved in available vertebrate species. In addition, this alteration is predicted to be tolerated by in silico analysis. Based on the available evidence, the clinical significance of this variant remains unclear.

Labcorp Genetics (formerly Invitae), Labcorp
Classification: Uncertain significance for Catecholaminergic polymorphic ventricular tachycardia 1. Last evaluated: 2024-07-29. Review status: criteria provided, single submitter. Criteria: Invitae Variant Classification Sherloc (09022015). Collection method: clinical testing. Allele origin: germline.
Comment: This sequence change replaces glycine, which is neutral and non-polar, with serine, which is neutral and polar, at codon 1747 of the RYR2 protein (p.Gly1747Ser). This variant is not present in population databases (gnomAD no frequency). This missense change has been observed in individual(s) with sudden infant death syndrome (PMID: 30086531). ClinVar contains an entry for this variant (Variation ID: 532335). Advanced modeling of protein sequence and biophysical properties (such as structural, functional, and spatial information, amino acid conservation, physicochemical variation, residue mobility, and thermodynamic stability) performed at Invitae indicates that this missense variant is not expected to disrupt RYR2 protein function with a negative predictive value of 95%. In summary, the available evidence is currently insufficient to determine the role of this variant in disease. Therefore, it has been classified as a Variant of Uncertain Significance.

Literature cited by the submitters: PubMed 30086531 (cited by Ambry Genetics and Labcorp Genetics (formerly Invitae), Labcorp); PubMed 36693943 (cited by Ambry Genetics).